The following is an entry in ClinVar:

ClinVar aggregate classification (germline): Uncertain significance (1 of 4 stars; one submission).

Conditions:
Cardiovascular phenotype. Identifiers: MedGen CN230736.

Submission:

Ambry Genetics
Classification: Uncertain significance for Cardiovascular phenotype. Last evaluated: 2026-01-02. Review status: criteria provided, single submitter. Criteria: Ambry Variant Classification Scheme 2023. Collection method: clinical testing. Allele origin: germline.
Comment: The p.R315S variant (also known as c.943C>A), located in coding exon 9 of the ANKRD1 gene, results from a C to A substitution at nucleotide position 943. The arginine at codon 315 is replaced by serine, an amino acid with dissimilar properties. This amino acid position is conserved. In addition, this alteration is predicted to be tolerated by in silico analysis. Based on the available evidence, the clinical significance of this variant remains unclear.

NM_014391.3(ANKRD1):c.943C>A (p.Arg315Ser)

Gene: ANKRD1 (ankyrin repeat domain 1; minus strand). Cytogenetic location: 10q23.31.
Variant type: single nucleotide variant.
Coding change: c.943C>A on transcript NM_014391.3 (MANE Select); coding-DNA position 943, C replaced by A.
Protein change: p.Arg315Ser; replaces arginine 315 with serine.
Molecular consequence: missense variant.
Genome position (GRCh38, 1-based): chr10:90,912,883, G>T on the plus strand (C>A on the coding strand, the complement: ANKRD1 is on the minus strand). VCF-style: chr10-90912883-G-T. GRCh37 (hg19) VCF-style: chr10-92672640-G-T.
Other names: short protein forms R315S.
Identifiers: ClinVar variation 4842262 (VCV004842262.1).